The following is an entry in ClinVar:

NM_001258392.3(CLPB):c.1786-22_1786-20del

Gene: CLPB (ClpB family mitochondrial disaggregase; minus strand). Cytogenetic location: 11q13.4.
Variant type: Deletion.
Coding change: c.1786-22_1786-20del on transcript NM_001258392.3 (MANE Select); 22 bases into the intron before coding-DNA position 1786 through 20 bases into the intron before coding-DNA position 1786, 3 bases deleted (CAC; older notation c.1786-22_1786-20delCAC).
Molecular consequence: intron variant.
Genome position (GRCh38, 1-based): chr11:72,293,635-72,293,637, GTG deleted on the plus strand (CAC on the coding strand, the reverse complement: CLPB is on the minus strand); deleting any 3 consecutive bases within chr11:72,293,635-72,293,639 gives the same sequence; the c. name uses the placement nearest the transcript's 3' end. VCF-style (leftmost placement, unchanged base first): chr11-72293634-AGTG-A. GRCh37 (hg19) VCF-style: chr11-72004678-AGTG-A.
Other names: c.1699-22_1699-20del (NM_001258393.3); c.1876-22_1876-20del (NM_030813.6); c.1741-22_1741-20del (NM_001258394.3); c.1876-22_1876-20delCAC (NM_030813.6).
Identifiers: ClinVar variation 3902539 (VCV003902539.1).

ClinVar aggregate classification (germline): Likely benign (1 of 4 stars; one submission).

Submission:

Women's Health and Genetics/Laboratory Corporation of America, LabCorp
Classification: Likely benign. Last evaluated: 2025-05-05. Review status: criteria provided, single submitter. Criteria: LabCorp Variant Classification Summary - May 2015. Collection method: clinical testing. Allele origin: germline.
Comment: Variant summary: CLPB c.1876-22_1876-20delCAC alters a nucleotide located at a position not widely known to affect splicing. Consensus agreement among computation tools predict no significant impact on normal splicing. However, these predictions have yet to be confirmed by functional studies. The variant was absent in 245876 control chromosomes (gnomAD). The available data on variant occurrences in the general population are insufficient to allow any conclusion about variant significance. To our knowledge, no occurrence of c.1876-22_1876-20delCAC in individuals affected with 3-Methylglutaconic Aciduria, Type VIIB and no experimental evidence demonstrating its impact on protein function have been reported. No submitters have cited clinical-significance assessments for this variant to ClinVar. Based on the evidence outlined above, the variant was classified as likely benign.